The following is an entry in ClinVar:

ClinVar aggregate classification (germline): Pathogenic. Review status: reviewed by expert panel (3 of 4 stars). 12 submissions from 11 submitters: Pathogenic (1). 11 of the submissions do not count toward it. Last evaluated 2016-09-08.

Conditions:
Breast-ovarian cancer, familial, susceptibility to, 2 (BROVCA2). Also called: BRCA2 Hereditary Breast and Ovarian Cancer. Identifiers: Orphanet 145, MedGen C2675520, MONDO:0012933, OMIM 612555. Disease mechanism: loss of function.
Breast-ovarian cancer, familial, susceptibility to, 1 (BROVCA1). Also called: BRCA1 Hereditary Breast and Ovarian Cancer; OVARIAN CANCER, SUSCEPTIBILITY TO. Identifiers: Orphanet 145, MedGen C2676676, MONDO:0011450, OMIM 604370. Disease mechanism: loss of function.
Hereditary breast ovarian cancer syndrome. Also called: Hereditary breast and/or ovarian cancer syndrome; Hereditary breast and ovarian cancer syndrome; Hereditary breast and ovarian cancer; Hereditary breast and ovarian cancer syndrome (HBOC); Breast and ovarian cancer; BRCA1- and BRCA2-Associated Hereditary Breast and Ovarian Cancer. Identifiers: Orphanet 145, MedGen C0677776, MeSH D061325, MONDO:0003582. Disease mechanism: loss of function.
Familial cancer of breast. Also called: hereditary breast carcinoma; Hereditary breast cancer; BREAST CANCER, FAMILIAL. Identifiers: Orphanet 227535, MedGen C0346153, MONDO:0016419, OMIM 114480. Disease mechanism: loss of function.
Hereditary cancer-predisposing syndrome. Also called: Hereditary Cancer Syndrome; Neoplastic Syndromes, Hereditary; Hereditary neoplastic syndrome; Tumor predisposition. Identifiers: Orphanet 140162, MedGen C0027672, MeSH D009386, MONDO:0015356.

Submissions (12):

Evidence-based Network for the Interpretation of Germline Mutant Alleles (ENIGMA)
Classification: Pathogenic for Breast-ovarian cancer, familial, susceptibility to, 2. Last evaluated: 2016-09-08. Review status: reviewed by expert panel. Criteria: ENIGMA BRCA1/2 Classification Criteria (2015). Collection method: curation. Allele origin: germline.
Comment: Variant allele predicted to encode a truncated non-functional protein.

Labcorp Genetics (formerly Invitae), Labcorp
Classification: Pathogenic for Hereditary breast ovarian cancer syndrome. Last evaluated: 2026-02-02. Review status: criteria provided, single submitter. Criteria: Invitae Variant Classification Sherloc (09022015). Collection method: clinical testing. Allele origin: germline. Not counted in ClinVar's aggregate classification.
Comment: This sequence change creates a premature translational stop signal (p.Ser2133Phefs*3) in the BRCA2 gene. It is expected to result in an absent or disrupted protein product. Loss-of-function variants in BRCA2 are known to be pathogenic (PMID: 20104584). This variant is not present in population databases (gnomAD no frequency). This variant has not been reported in the literature in individuals affected with BRCA2-related conditions. ClinVar contains an entry for this variant (Variation ID: 96838). For these reasons, this variant has been classified as Pathogenic.

Institute of Immunology and Genetics Kaiserslautern
Classification: Pathogenic for Breast-ovarian cancer, familial, susceptibility to, 1. Last evaluated: 2025-07-31. Review status: criteria provided, single submitter. Criteria: ACMG Guidelines, 2015. Collection method: clinical testing. Allele origin: germline. Affected: yes. Not counted in ClinVar's aggregate classification.
Comment: ACMG Criteria: PVS1, PS4, PM2, PP1, PP3, PP4, PP5_M.

Institute of Immunology and Genetics Kaiserslautern
Classification: Pathogenic for Breast-ovarian cancer, familial, susceptibility to, 2. Last evaluated: 2025-06-04. Review status: criteria provided, single submitter. Criteria: ACMG Guidelines, 2015. Collection method: clinical testing. Allele origin: germline. Affected: yes. Not counted in ClinVar's aggregate classification.
Comment: ACMG Criteria: PVS1, PS4, PM2, PP1, PP3, PP4, PP5_S; Variant was found in heterozygous state.

GeneDx
Classification: Pathogenic. Last evaluated: 2025-06-03. Review status: criteria provided, single submitter. Criteria: GeneDx Variant Classification Process June 2021. Collection method: clinical testing. Allele origin: germline. Affected: yes. Not counted in ClinVar's aggregate classification.
Comment: Frameshift variant predicted to result in protein truncation or nonsense mediated decay in a gene for which loss of function is a known mechanism of disease; Not observed at significant frequency in large population cohorts (gnomAD); Truncating variants in this gene are considered pathogenic by a well-established clinical consortium and/or database; Also known as 6625dup; This variant is associated with the following publications: (PMID: 38642551, 22762150, 20104584, 29446198, 31892343, 38069422)

Baylor Genetics
Classification: Likely pathogenic for Familial cancer of breast. Last evaluated: 2023-09-18. Review status: criteria provided, single submitter. Criteria: ACMG Guidelines, 2015. Collection method: clinical testing. Allele origin: unknown. Not counted in ClinVar's aggregate classification.

Ambry Genetics
Classification: Pathogenic for Hereditary cancer-predisposing syndrome. Last evaluated: 2023-06-12. Review status: criteria provided, single submitter. Criteria: Ambry Variant Classification Scheme 2023. Collection method: clinical testing. Allele origin: germline. Not counted in ClinVar's aggregate classification.
Comment: The c.6397dupT pathogenic mutation, located in coding exon 10 of the BRCA2 gene, results from a duplication of T at nucleotide position 6397, causing a translational frameshift with a predicted alternate stop codon (p.S2133Ffs*3). This alteration was identified in a large, worldwide study of BRCA1/2 mutation positive families (Rebbeck TR et al. Hum. Mutat., 2018 05;39:593-620). In addition to the clinical data presented in the literature, this alteration is expected to result in loss of function by premature protein truncation or nonsense-mediated mRNA decay. As such, this alteration is interpreted as a disease-causing mutation.

Color Diagnostics, LLC DBA Color Health
Classification: Pathogenic for Hereditary cancer-predisposing syndrome. Last evaluated: 2019-08-22. Review status: criteria provided, single submitter. Criteria: ACMG Guidelines, 2015. Collection method: clinical testing. Allele origin: germline. Not counted in ClinVar's aggregate classification.
Comment: This variant inserts 1 nucleotide in exon 11 of the BRCA2 gene, creating a frameshift and premature translation stop signal. This variant is expected to result in an absent or non-functional protein product. Splice site prediction tools suggest that this variant may not impact RNA splicing. To our knowledge, functional studies have not been performed for this variant. This variant has not been reported in individuals affected with hereditary cancer in the literature. This variant has not been identified in the general population by the Genome Aggregation Database (gnomAD). Loss of BRCA2 function is a known mechanism of disease. Based on the available evidence, this variant is classified as Pathogenic.

Quest Diagnostics Nichols Institute San Juan Capistrano
Classification: Pathogenic. Last evaluated: 2017-12-15. Review status: criteria provided, single submitter. Criteria: Quest Diagnostics criteria. Collection method: clinical testing. Allele origin: germline. Not counted in ClinVar's aggregate classification.

Consortium of Investigators of Modifiers of BRCA1/2 (CIMBA), c/o University of Cambridge
Classification: Pathogenic for Breast-ovarian cancer, familial, susceptibility to, 2. Last evaluated: 2015-10-02. Review status: criteria provided, single submitter. Criteria: CIMBA Mutation Classification guidelines May 2016. Collection method: clinical testing. Allele origin: germline. Not counted in ClinVar's aggregate classification.

Counsyl
Classification: Pathogenic for Breast-ovarian cancer, familial, susceptibility to, 2. Last evaluated: 2016-10-06. Review status: no assertion criteria provided. Collection method: clinical testing. Allele origin: unknown. Not counted in ClinVar's aggregate classification.

Sharing Clinical Reports Project (SCRP)
Classification: Pathogenic for Breast-ovarian cancer, familial 2. Last evaluated: 2012-05-01. Review status: no assertion criteria provided. Collection method: clinical testing. Allele origin: germline. Not counted in ClinVar's aggregate classification.

Literature cited by the submitters: PubMed 20104584 (cited by Labcorp Genetics (formerly Invitae), Labcorp); PubMed 29446198 (cited by Ambry Genetics); PubMed 22762150 (cited by Counsyl).

NM_000059.4(BRCA2):c.6397dup (p.Ser2133fs)

Gene: BRCA2 (BRCA2 DNA repair associated; plus strand). Cytogenetic location: 13q13.1.
Variant type: Duplication.
Coding change: c.6397dup on transcript NM_000059.4 (MANE Select); coding-DNA position 6397, one base duplicated (T; older notation c.6397dupT).
Protein change: p.Ser2133fs; shifts the reading frame from serine 2133.
Molecular consequence: frameshift variant.
Genome position (GRCh38, 1-based): chr13:32,340,752, T duplicated. VCF-style (leftmost placement, unchanged base first): chr13-32340751-A-AT. GRCh37 (hg19) VCF-style: chr13-32914888-A-AT.
Other names: 6625insT; c.6397dupT (NM_000059.3); short protein forms S2133fs.
Identifiers: ClinVar variation 96838 (VCV000096838.26), dbSNP rs431825342, ClinGen allele CA023979.